The following is an entry in ClinVar:

NM_002206.3(ITGA7):c.2278-43G>A

Genes: ITGA7 (integrin subunit alpha 7; minus strand), LOC126861535 (CDK7 strongly-dependent group 2 enhancer GRCh37_chr12:56087579-56088778; plus strand). Cytogenetic location: 12q13.2.
Variant type: single nucleotide variant.
Coding change: c.2278-43G>A on transcript NM_002206.3 (MANE Select); 43 bases into the intron before coding-DNA position 2278, G replaced by A.
Molecular consequence: intron variant.
Genome position (GRCh38, 1-based): chr12:55,694,565, C>T on the plus strand (G>A on the coding strand, the complement: ITGA7 is on the minus strand). VCF-style: chr12-55694565-C-T. GRCh37 (hg19) VCF-style: chr12-56088349-C-T.
Other names: c.1999-43G>A (NM_001144997.2); c.1951-43G>A (NM_001367993.1); c.1939-43G>A (NM_001414035.1); c.2095-43G>A (NM_001414033.1); c.934-43G>A (NM_001367994.1); c.2158-43G>A (NM_001414032.1); c.2191-43G>A (NM_001414031.1); c.2260-43G>A (NM_001374465.1); and 5 more.
Identifiers: ClinVar variation 678402 (VCV000678402.2), dbSNP rs11831381, ClinGen allele CA6615673.
Genomic context (GRCh38, chr12:55,694,565, plus strand): 5'-GATGAGGTAGAAGGTGACCTAGGCCAAGGGTGGAAAGAGATTAGAGTCAGGGGTGGTCTA[C>T]GGGCTTATGGAGAGGCTACTCACGTAGGGATAAGGGCAGATGTGCCAACCTGGGCACCTC-3'

ClinVar aggregate classification (germline): Benign. Review status: criteria provided, multiple submitters, no conflicts (2 of 4 stars). 2 submissions from 2 submitters: Benign (2). Last evaluated 2018-06-16.

Allele frequency attached by ClinVar (database versions not stated): gnomAD exomes 0.01281; ExAC 0.01634; gnomAD 0.05001 and 0.05369; 1000 Genomes Project 0.05172; 1000 Genomes Project 30x 0.05325; TOPMed 0.05715; ESP Exome Variant Server 0.05951.
gnomAD v4.1: 15,071 of 1,612,892 alleles (0.93%); highest among the groups gnomAD compares: African/African-American, 18%; 1,259 homozygotes.

Submissions (2):

GeneDx
Classification: Benign. Last evaluated: 2018-06-16. Review status: criteria provided, single submitter. Criteria: GeneDx Variant Classification (06012015). Collection method: clinical testing. Allele origin: germline. Affected: yes.
Comment: This variant is considered likely benign or benign based on one or more of the following criteria: it is a conservative change, it occurs at a poorly conserved position in the protein, it is predicted to be benign by multiple in silico algorithms, and/or has population frequency not consistent with disease.

Breakthrough Genomics
Classification: Benign. Review status: criteria provided, single submitter. Criteria: ACMG Guidelines, 2015. Collection method: not provided. Allele origin: germline. Inheritance: Autosomal recessive inheritance. Affected: yes.